The following is an entry in ClinVar:

NC_000023.10:g.(?_128698100)_(128701239_?)del

Gene: OCRL (OCRL inositol polyphosphate-5-phosphatase; plus strand). Cytogenetic location: Xq25-26.1.
Variant type: Deletion.
Identifiers: ClinVar variation 3243717 (VCV003243717.1).

ClinVar aggregate classification (germline): Likely pathogenic (1 of 4 stars; one submission).

Conditions:
Lowe syndrome (OCRL). Also called: LOWE OCULOCEREBRORENAL SYNDROME; PHOSPHATIDYLINOSITOL 4,5-BISPHOSPHATE 5-PHOSPHATASE DEFICIENCY; Oculocerebrorenal Syndrome. Identifiers: Orphanet 534, MedGen C0028860, MONDO:0010645, OMIM 309000.

Submission:

Labcorp Genetics (formerly Invitae), Labcorp
Classification: Likely pathogenic for Lowe syndrome. Last evaluated: 2018-09-28. Review status: criteria provided, single submitter. Criteria: Invitae Variant Classification Sherloc (09022015). Collection method: clinical testing. Allele origin: unknown.
Comment: In summary, the currently available evidence indicates that the variant is pathogenic, but additional data are needed to prove that conclusively. Therefore, this variant has been classified as Likely Pathogenic. Loss-of-function variants in OCRL are known to be pathogenic (PMID: 21031565, 22381590). This variant has not been reported in the literature in individuals with OCRL-related disease. This variant is a deletion of the genomic region encompassing exon 13 and part of exon 14 (c.1244+1337_1365del) of the OCRL gene. It is expected to disrupt RNA splicing and likely results in an absent or disrupted protein product.

Literature cited by the submitters: PubMed 21031565; PubMed 22381590.